The following is an entry in ClinVar:

ClinVar aggregate classification (germline): Uncertain significance (1 of 4 stars; one submission).

Conditions:
Hereditary cancer-predisposing syndrome. Also called: Neoplastic Syndromes, Hereditary; Tumor predisposition; Hereditary Cancer Syndrome; Hereditary neoplastic syndrome. Identifiers: Orphanet 140162, MedGen C0027672, MeSH D009386, MONDO:0015356.

Submission:

Ambry Genetics
Classification: Uncertain significance for Hereditary cancer-predisposing syndrome. Last evaluated: 2025-12-09. Review status: criteria provided, single submitter. Criteria: Ambry Variant Classification Scheme 2023. Collection method: clinical testing. Allele origin: germline.
Comment: The p.L1862S variant (also known as c.5585T>C), located in coding exon 15 of the APC gene, results from a T to C substitution at nucleotide position 5585. The leucine at codon 1862 is replaced by serine, an amino acid with dissimilar properties. This amino acid position is conserved. In addition, in silico predictors for this gene do not accurately predict pathogenicity. Based on the available evidence, the clinical significance of this variant remains unclear.

NM_000038.6(APC):c.5585T>C (p.Leu1862Ser)

Gene: APC (APC regulator of Wnt signaling pathway; plus strand). Cytogenetic location: 5q22.2.
Variant type: single nucleotide variant.
Coding change: c.5585T>C on transcript NM_000038.6 (MANE Select); coding-DNA position 5585, T replaced by C.
Protein change: p.Leu1862Ser; replaces leucine 1862 with serine.
Molecular consequence: missense variant. On other transcripts: non-coding transcript variant (2).
Genome position (GRCh38, 1-based): chr5:112,841,179, T>C. VCF-style: chr5-112841179-T-C. GRCh37 (hg19) VCF-style: chr5-112176876-T-C.
Other names: c.5585T>C, p.Leu1862Ser (NM_001127510.3, NM_001354895.2, NM_001407450.1); c.5531T>C, p.Leu1844Ser (NM_001127511.3); c.5639T>C, p.Leu1880Ser (NM_001354896.2, NM_001407447.1, NM_001407448.1 and 1 more transcripts); c.5615T>C, p.Leu1872Ser (NM_001354897.2); c.5510T>C, p.Leu1837Ser (NM_001354898.2); c.5501T>C, p.Leu1834Ser (NM_001354899.2); c.5462T>C, p.Leu1821Ser (NM_001354900.2); c.5408T>C, p.Leu1803Ser (NM_001354901.2, NM_001407453.1); and 11 more; short protein forms L1478S, L1579S, L1736S, L1771S, L1890S, L1702S, L1837S, L1862S.
Identifiers: ClinVar variation 4595785 (VCV004595785.1).